The following is an entry in ClinVar:

ClinVar aggregate classification (germline): Likely pathogenic (1 of 4 stars; one submission).

Conditions:
Thrombophilia due to protein S deficiency, autosomal dominant (THPH5). Identifiers: Orphanet 26349, Orphanet 743, MedGen C3278211, MONDO:0012868, OMIM 612336. Disease mechanism: loss of function.

Submission:

Clinical Genetics Laboratory, Skane University Hospital Lund
Classification: Likely pathogenic for Thrombophilia due to protein S deficiency, autosomal dominant. Last evaluated: 2025-11-14. Review status: criteria provided, single submitter. Criteria: ACMG Guidelines, 2015. Collection method: clinical testing. Allele origin: germline. Affected: yes.
Comment: ACMG criteria used: PVS1 and PM2.

NM_000313.4(PROS1):c.965+2T>C

Gene: PROS1 (protein S; minus strand). Cytogenetic location: 3q11.1.
Variant type: single nucleotide variant.
Coding change: c.965+2T>C on transcript NM_000313.4 (MANE Select); the canonical splice donor site of the intron after coding-DNA position 965, T replaced by C.
Molecular consequence: splice donor variant.
Genome position (GRCh38, 1-based): chr3:93,896,574, A>G on the plus strand (T>C on the coding strand, the complement: PROS1 is on the minus strand). VCF-style: chr3-93896574-A-G. GRCh37 (hg19) VCF-style: chr3-93615418-A-G.
Other names: c.1061+2T>C (NM_001314077.2).
Identifiers: ClinVar variation 4528359 (VCV004528359.1).